The following is an entry in ClinVar:

ClinVar aggregate classification (germline): Pathogenic. Review status: criteria provided, multiple submitters, no conflicts (2 of 4 stars). 9 submissions from 9 submitters: Pathogenic (7). 2 of the submissions do not count toward it. Last evaluated 2025-10-28.

Conditions:
Leukodystrophy, hypomyelinating, 8, with or without oligodontia and/or hypogonadotropic hypogonadism. Also called: Endosteal sclerosis-cerebellar hypoplasia syndrome; LEUKODYSTROPHY, HYPOMYELINATING, 8, WITH HYPODONTIA AND HYPOGONADOTROPIC HYPOGONADISM; Hypomyelinating leukodystrophy 8 with or without oligodontia and-or hypogonadotropic hypogonadism. Identifiers: Orphanet 85186, Orphanet 88637, MedGen C3280644, MONDO:0013722, OMIM 614381.

Allele frequency attached by ClinVar (database versions not stated): gnomAD exomes 0.00003 and 0.00005; TOPMed 0.00003; ExAC 0.00002; gnomAD 0.00001.
gnomAD v4.1: 44 of 1,386,584 alleles (0.0032%); highest among the groups gnomAD compares: Admixed American, 0.0084%; no homozygotes.

Submissions (11):

Dasa
Classification: Pathogenic. Last evaluated: 2025-10-28. Review status: criteria provided, single submitter. Criteria: DASA Assertion Criteria. Collection method: clinical testing. Allele origin: germline.
Comment: NM_018082.6(POLR3B):c.2570+1G>A affects a canonical splice site and is predicted to disrupt normal RNA splicing, leading to loss of normal protein function. Loss-of-function is an established mechanism of disease for this gene. Functional evidence supports a deleterious effect on the gene or gene product. The variant is present at low frequency in population datasets. Based on the available data, this variant is classified as pathogenic.

CeGaT Center for Human Genetics Tuebingen
Classification: Pathogenic. Last evaluated: 2025-05-01. Review status: criteria provided, single submitter. Criteria: CeGaT Center For Human Genetics Tuebingen Variant Classification Criteria Version 2. Collection method: clinical testing. Allele origin: germline. Affected: yes. Observed: 4 variant alleles.
Comment: POLR3B: PM3:Very Strong, PVS1:Strong, PM2

Labcorp Genetics (formerly Invitae), Labcorp
Classification: Pathogenic. Last evaluated: 2023-11-17. Review status: criteria provided, single submitter. Criteria: Invitae Variant Classification Sherloc (09022015). Collection method: clinical testing. Allele origin: germline.
Comment: This sequence change affects a donor splice site in intron 22 of the POLR3B gene. It is expected to disrupt RNA splicing. Variants that disrupt the donor or acceptor splice site typically lead to a loss of protein function (PMID: 16199547), and loss-of-function variants in POLR3B are known to be pathogenic (PMID: 25339210). The frequency data for this variant in the population databases is considered unreliable, as metrics indicate poor data quality at this position in the gnomAD database. Disruption of this splice site has been observed in individuals with autosomal recessive POLR3B-related leukodystrophy (PMID: 23355746, 25339210, 30548255). ClinVar contains an entry for this variant (Variation ID: 620581). Algorithms developed to predict the effect of sequence changes on RNA splicing suggest that this variant may disrupt the consensus splice site. For these reasons, this variant has been classified as Pathogenic.

Institute for Clinical Genetics, University Hospital TU Dresden, University Hospital TU Dresden
Classification: Pathogenic. Last evaluated: 2022-12-13. Review status: criteria provided, single submitter. Criteria: ACMG Guidelines, 2015. Collection method: clinical testing. Allele origin: germline.

Broad Center for Mendelian Genomics, Broad Institute of MIT and Harvard
Classification: Pathogenic for Leukodystrophy, hypomyelinating, 8, with or without oligodontia and/or hypogonadotropic hypogonadism. Last evaluated: 2022-02-28. Review status: criteria provided, single submitter. Criteria: ACMG Guidelines, 2015. Collection method: curation. Allele origin: germline. Inheritance: Autosomal recessive inheritance.
Comment: The c.2570+1G>A variant in POLR3B has been reported in 8 compound heterozygous individuals with 4H leukodystrophy (PMID: 25339210, 31577365, 30838315, 30548255, 31996231, 23355746, 30838315) and has been identified in 0.01% (5/35390) of Latino/Admixed American chromosomes by the Genome Aggregation Database (gnomAD; dbSNP ID: rs753943393). Although this variant has been seen in the general population in a heterozygous state, its frequency is not high enough to rule out a pathogenic role. Of the 8 affected individuals, 5 were compound heterozygotes that carried a reported pathogenic variant with unknown phase, which increases the likelihood that the c.2570+1G>A variant is pathogenic (VariationID: 31166; PMID: 25339210, 31577365). This variant has also been reported in ClinVar (Variation ID#: 620581) and has been interpreted as pathogenic by Molecular Diagnostics Laboratory (M Health Fairview: University of Minnesota), GeneReviews, CeGaT Praxis fuer Humangenetik Tuebingen, and Baylor Genetics. In vitro functional studies provide some evidence that the c.2570+1G>A variant may impact protein function (PMID: 23355746). However, these types of assays may not accurately represent biological function. This variant is located in the 3' splice region. Computational tools predict a splicing impact, though this information is not predictive enough to determine pathogenicity. There is an in-frame cryptic splice site 21 bases from the intron-exon boundary, providing evidence that this variant may delete 7 amino acids instead of causing loss of function. However, this information is not predictive enough to determine pathogenicity. Loss of function of the POLR3B gene is an established disease mechanism in autosomal recessive 4H leukodystrophy. In summary, this variant meets criteria to be classified as pathogenic for autosomal recessive 4H leukodystrophy. ACMG/AMP Criteria applied: PVS1_strong, PM3_strong, PS3_moderate (Richards 2015).

Baylor Genetics
Classification: Pathogenic for Leukodystrophy, hypomyelinating, 8, with or without oligodontia and/or hypogonadotropic hypogonadism. Last evaluated: 2020-10-30. Review status: criteria provided, single submitter. Criteria: ACMG Guidelines, 2015. Collection method: clinical testing. Allele origin: unknown. Affected: yes.
Comment: This variant was determined to be pathogenic according to ACMG Guidelines, 2015 [PMID:25741868].

Molecular Diagnostics Laboratory, M Health Fairview: University of Minnesota
Classification: Pathogenic for Leukodystrophy, hypomyelinating, 8, with or without oligodontia and/or hypogonadotropic hypogonadism. Last evaluated: 2017-03-23. Review status: criteria provided, single submitter. Criteria: ACMG Guidelines, 2015. Collection method: clinical testing. Allele origin: germline. Affected: yes. Observed: 1 variant allele.

OMIM
Classification: Pathogenic for LEUKODYSTROPHY, HYPOMYELINATING, 8, WITHOUT HYPODONTIA AND WITH HYPOGONADOTROPIC HYPOGONADISM. Last evaluated: 2022-03-04. Review status: no assertion criteria provided. Collection method: literature only. Allele origin: germline. Not counted in ClinVar's aggregate classification.

Dr. Peter K. Rogan Lab, Western University
No classification provided (evidence only). Condition: Familial cancer of breast. Review status: no classification provided. Collection method: in vitro. Allele origin: not applicable. Functional consequence: skipped exon, retained intron. Not counted in ClinVar's aggregate classification.

Dr. Peter K. Rogan Lab, Western University
No classification provided (evidence only). Condition: Colon adenocarcinoma. Review status: no classification provided. Collection method: in vitro. Allele origin: not applicable. Functional consequence: skipped exon, retained intron. Not counted in ClinVar's aggregate classification.

GeneReviews
No classification provided. Condition: Leukodystrophy, hypomyelinating, 8, with or without oligodontia and/or hypogonadotropic hypogonadism. Review status: no classification provided. Collection method: literature only. Allele origin: germline. Not counted in ClinVar's aggregate classification.

Literature cited by the submitters: PubMed 16199547 (cited by Labcorp Genetics (formerly Invitae), Labcorp); PubMed 25339210 (cited by Labcorp Genetics (formerly Invitae), Labcorp and GeneReviews); PubMed 23355746 (cited by Labcorp Genetics (formerly Invitae), Labcorp and OMIM); PubMed 30548255 (cited by Labcorp Genetics (formerly Invitae), Labcorp); PubMed 22855961 (cited by GeneReviews).

NM_018082.6(POLR3B):c.2570+1G>A

Gene: POLR3B (RNA polymerase III subunit B; plus strand). Cytogenetic location: 12q23.3.
Variant type: single nucleotide variant.
Coding change: c.2570+1G>A on transcript NM_018082.6 (MANE Select); the canonical splice donor site of the intron after coding-DNA position 2570, G replaced by A.
Molecular consequence: splice donor variant.
Genome position (GRCh38, 1-based): chr12:106,459,369, G>A. VCF-style: chr12-106459369-G-A. GRCh37 (hg19) VCF-style: chr12-106853147-G-A.
Other names: IVS22DS, G-A, +1; c.2396+1G>A (NM_001160708.2).
Identifiers: ClinVar variation 620581 (VCV000620581.53), dbSNP rs753943393, ClinGen allele CA6762227.